The following is an entry in ClinVar:

NM_033380.3(COL4A5):c.446dup (p.Gly150fs)

Gene: COL4A5 (collagen type IV alpha 5 chain; plus strand). Cytogenetic location: Xq22.3.
Variant type: Duplication.
Coding change: c.446dup on transcript NM_033380.3 (MANE Select); coding-DNA position 446, one base duplicated (C; older notation c.446dupC).
Protein change: p.Gly150fs; shifts the reading frame from glycine 150.
Molecular consequence: frameshift variant.
Genome position (GRCh38, 1-based): chrX:108,571,818, C duplicated; the last of 5 consecutive C bases (chrX:108,571,814-108,571,818); duplicating any one gives the same sequence. VCF-style (leftmost placement, unchanged base first): chrX-108571813-A-AC. GRCh37 (hg19) VCF-style: chrX-107815043-A-AC.
Other names: c.446dup, p.Gly150fs (NM_000495.5); c.446dup (NM_033380.1); short protein forms G150fs.
Identifiers: ClinVar variation 4529518 (VCV004529518.2), dbSNP rs104886054.

ClinVar aggregate classification (germline): Pathogenic. Review status: criteria provided, multiple submitters, no conflicts (2 of 4 stars). 2 submissions from 2 submitters: Pathogenic (2). Last evaluated 2025-05-12.

Conditions:
COL4A5-related disorders.

Submissions (2):

GeneDx
Classification: Pathogenic. Last evaluated: 2025-05-12. Review status: criteria provided, single submitter. Criteria: GeneDx Variant Classification Process June 2021. Collection method: clinical testing. Allele origin: germline. Affected: yes.
Comment: Frameshift variant predicted to result in protein truncation or nonsense mediated decay in a gene for which loss of function is a known mechanism of disease; Not observed at significant frequency in large population cohorts (gnomAD); This variant is associated with the following publications: (PMID: 31328266, 15954103)

Blueprint Genetics
Classification: Pathogenic for COL4A5-related disorders. Last evaluated: 2021-07-02. Review status: criteria provided, single submitter. Criteria: ACMG Guidelines, 2015. Collection method: clinical testing. Allele origin: germline. Affected: yes. Observed: 1 variant allele.